The following is an entry in ClinVar:

NM_003072.5(SMARCA4):c.212_214dup (p.Gln71_Met72insLys)

Gene: SMARCA4 (SWI/SNF related BAF chromatin remodeling complex subunit ATPase 4; plus strand). Cytogenetic location: 19p13.2.
Variant type: Duplication.
Coding change: c.212_214dup on transcript NM_003072.5 (MANE Select); coding-DNA positions 212 to 214, 3 bases duplicated (AGA; older notation c.212_214dupAGA).
Protein change: p.Gln71_Met72insLys.
Molecular consequence: inframe insertion. On other transcripts: non-coding transcript variant (1).
Genome position (GRCh38, 1-based): chr19:10,984,363-10,984,365, AGA duplicated. VCF-style (leftmost placement, unchanged base first): chr19-10984362-C-CAGA. GRCh37 (hg19) VCF-style: chr19-11095038-C-CAGA.
Other names: c.212_214dupAGA (NM_001128849.1); c.212_214dup, p.Gln71_Met72insLys (NM_001128844.3, NM_001128845.2, NM_001128846.2 and 5 more transcripts).
Identifiers: ClinVar variation 484984 (VCV000484984.8), dbSNP rs1555751056, ClinGen allele CA658658769.

ClinVar aggregate classification (germline): Uncertain significance. Review status: criteria provided, multiple submitters, no conflicts (2 of 4 stars). 2 submissions from 2 submitters: Uncertain significance (2). Last evaluated 2021-11-11.

Conditions:
Hereditary cancer-predisposing syndrome. Also called: Neoplastic Syndromes, Hereditary; Tumor predisposition; Hereditary Cancer Syndrome; Hereditary neoplastic syndrome. Identifiers: Orphanet 140162, MedGen C0027672, MeSH D009386, MONDO:0015356.
Rhabdoid tumor predisposition syndrome 2 (RTPS2). Identifiers: Orphanet 231108, Orphanet 69077, MedGen C2750074, MONDO:0013224, OMIM 613325.

Submissions (2):

St. Jude Molecular Pathology, St. Jude Children's Research Hospital
Classification: Uncertain significance for Rhabdoid tumor predisposition syndrome 2. Last evaluated: 2021-11-11. Review status: criteria provided, single submitter. Criteria: St. Jude Assertion Criteria 2020. Collection method: clinical testing. Allele origin: germline.
Comment: The SMARCA4 c.212_214dup (p.Gln71_Met72insLys) change results in insertion of a single lysine residue in exon 2 of the SMARCA4 gene (PM4). This variant is absent in gnomAD v2.1.1 (PM2_supporting). Algorithms that predict the impact of sequence changes on splicing indicate that this variant does not affect splicing, but to our knowledge these predictions have not been confirmed by RNA studies. In summary, this variant meets criteria to be classified as of uncertain significance based on the ACMG/AMP criteria: PM4, PM2_supporting.

Ambry Genetics
Classification: Uncertain significance for Hereditary cancer-predisposing syndrome. Last evaluated: 2017-08-15. Review status: criteria provided, single submitter. Criteria: Ambry Variant Classification Scheme 2023. Collection method: clinical testing. Allele origin: germline.
Comment: The c.212_214dupAGA variant (also known as p.Q71_M72insK), located in coding exon 1 of the SMARCA4 gene, results from an in-frame duplication of AGA at nucleotide positions 212 to 214. This results in the insertion of a lysine residue between codons 71 and 72. These amino acid positions are well conserved in available vertebrate species. Since supporting evidence is limited at this time, the clinical significance of this alteration remains unclear.